The following is an entry in ClinVar:

NM_003126.4(SPTA1):c.6600+5G>C

Gene: SPTA1 (spectrin alpha, erythrocytic 1; minus strand). Cytogenetic location: 1q23.1.
Variant type: single nucleotide variant.
Coding change: c.6600+5G>C on transcript NM_003126.4 (MANE Select); 5 bases into the intron after coding-DNA position 6600, G replaced by C.
Molecular consequence: intron variant.
Genome position (GRCh38, 1-based): chr1:158,617,532, C>G on the plus strand (G>C on the coding strand, the complement: SPTA1 is on the minus strand). VCF-style: chr1-158617532-C-G. GRCh37 (hg19) VCF-style: chr1-158587322-C-G.
Other names: p.?.
Identifiers: ClinVar variation 2436327 (VCV002436327.4), dbSNP rs1462060431, ClinGen allele CA526547220.

ClinVar aggregate classification (germline): Uncertain significance. Review status: criteria provided, multiple submitters, no conflicts (2 of 4 stars). 2 submissions from 2 submitters: Uncertain significance (2). Last evaluated 2025-01-09.

Allele frequency attached by ClinVar (database versions not stated): TOPMed 0.00001; gnomAD 0.00002.
gnomAD v4.1: 18 of 1,612,528 alleles (0.0011%); highest among the groups gnomAD compares: Non-Finnish European, 0.0015%; no homozygotes.

Submissions (2):

Mayo Clinic Laboratories, Mayo Clinic
Classification: Uncertain significance. Last evaluated: 2025-01-09. Review status: criteria provided, single submitter. Criteria: ACMG Guidelines, 2015. Collection method: clinical testing. Allele origin: germline. Observed: 1 variant allele.
Comment: PP3, PM2_supporting

Revvity Omics, Revvity
Classification: Uncertain significance. Last evaluated: 2023-12-01. Review status: criteria provided, single submitter. Criteria: ACMG Guidelines, 2015. Collection method: clinical testing. Allele origin: germline.